The following is an entry in ClinVar:

ClinVar aggregate classification (germline): Uncertain significance (1 of 4 stars; one submission).

Submission:

Labcorp Genetics (formerly Invitae), Labcorp
Classification: Uncertain significance. Last evaluated: 2023-10-13. Review status: criteria provided, single submitter. Criteria: Invitae Variant Classification Sherloc (09022015). Collection method: clinical testing. Allele origin: germline.
Comment: This sequence change replaces glutamic acid, which is acidic and polar, with aspartic acid, which is acidic and polar, at codon 514 of the MPDZ protein (p.Glu514Asp). This variant is not present in population databases (gnomAD no frequency). This variant has not been reported in the literature in individuals affected with MPDZ-related conditions. ClinVar contains an entry for this variant (Variation ID: 2000593). An algorithm developed to predict the effect of missense changes on protein structure and function (PolyPhen-2) suggests that this variant is likely to be tolerated. In summary, the available evidence is currently insufficient to determine the role of this variant in disease. Therefore, it has been classified as a Variant of Uncertain Significance.

NM_001378778.1(MPDZ):c.1542A>C (p.Glu514Asp)

Gene: MPDZ (multiple PDZ domain crumbs cell polarity complex component; minus strand). Cytogenetic location: 9p23.
Variant type: single nucleotide variant.
Coding change: c.1542A>C on transcript NM_001378778.1 (MANE Select); coding-DNA position 1542, A replaced by C.
Protein change: p.Glu514Asp; replaces glutamic acid 514 with aspartic acid.
Molecular consequence: missense variant.
Genome position (GRCh38, 1-based): chr9:13,205,040, T>G on the plus strand (A>C on the coding strand, the complement: MPDZ is on the minus strand). VCF-style: chr9-13205040-T-G. GRCh37 (hg19) VCF-style: chr9-13205039-T-G.
Other names: c.1542A>C, p.Glu514Asp (NM_001261406.2, NM_001261407.2, NM_001330637.2 and 14 more transcripts); short protein forms E514D.
Identifiers: ClinVar variation 2000593 (VCV002000593.4), dbSNP rs769867005, ClinGen allele CA372942679.